The following is an entry in ClinVar:

NC_000011.9:g.(?_71148848)_(71148999_?)del

Gene: DHCR7 (7-dehydrocholesterol reductase; minus strand). Cytogenetic location: 11q13.4.
Variant type: Deletion.
Identifiers: ClinVar variation 2424132 (VCV002424132.3).

ClinVar aggregate classification (germline): Pathogenic (1 of 4 stars; one submission).

Conditions:
Smith-Lemli-Opitz syndrome (SLOS). Also called: 7-Dehydrocholesterol reductase deficiency; LETHAL ACRODYSGENITAL SYNDROME; POLYDACTYLY, SEX REVERSAL, RENAL HYPOPLASIA, AND UNILOBAR LUNG; RSH SYNDROME; RUTLEDGE LETHAL MULTIPLE CONGENITAL ANOMALY SYNDROME. Identifiers: Orphanet 818, MedGen C0175694, MONDO:0010035, OMIM 270400.

Submission:

Labcorp Genetics (formerly Invitae), Labcorp
Classification: Pathogenic for Smith-Lemli-Opitz syndrome. Last evaluated: 2022-03-17. Review status: criteria provided, single submitter. Criteria: Invitae Variant Classification Sherloc (09022015). Collection method: clinical testing. Allele origin: germline.
Comment: This variant is a gross deletion of the genomic region encompassing exon(s) 8 of the DHCR7 gene. This variant would be expected to be in-frame, preserving the integrity of the reading frame. This variant has not been reported in the literature in individuals affected with DHCR7-related conditions. This variant disrupts a region of the DHCR7 protein in which other variant(s) (p.Tyr318Cys ) have been determined to be pathogenic (Invitae). This suggests that this is a clinically significant region of the protein, and that variants that disrupt it are likely to be disease-causing. For these reasons, this variant has been classified as Pathogenic.